The following is an entry in ClinVar:

ClinVar aggregate classification (germline): Uncertain significance. Review status: criteria provided, single submitter (1 of 4 stars). 2 submissions from 2 submitters: Uncertain significance (1). 1 of the submissions does not count toward it. Last evaluated 2021-06-24.

Conditions:
GNPTG-mucolipidosis. Also called: Mucolipidosis type III gamma; MUCOLIPIDOSIS III, COMPLEMENTATION GROUP C; MUCOLIPIDOSIS III, IRANIAN VARIANT FORM; MUCOLIPIDOSIS III, VARIANT FORM; ML III GAMMA; ML IIIC. Identifiers: Orphanet 423470, Orphanet 577, MedGen C1854896, MONDO:0009652, OMIM 252605.

Allele frequency attached by ClinVar (database versions not stated): gnomAD exomes below 0.00001.
gnomAD v4.1: 4 of 1,614,078 alleles (0.00025%); highest among the groups gnomAD compares: South Asian, 0.0033%; no homozygotes.

Submissions (2):

Labcorp Genetics (formerly Invitae), Labcorp
Classification: Uncertain significance. Last evaluated: 2021-06-24. Review status: criteria provided, single submitter. Criteria: Invitae Variant Classification Sherloc (09022015). Collection method: clinical testing. Allele origin: germline.
Comment: This sequence change replaces glycine with glutamic acid at codon 60 of the GNPTG protein (p.Gly60Glu). The glycine residue is moderately conserved and there is a moderate physicochemical difference between glycine and glutamic acid. This variant is not present in population databases (ExAC no frequency). This variant has not been reported in the literature in individuals affected with GNPTG-related conditions. Algorithms developed to predict the effect of missense changes on protein structure and function are either unavailable or do not agree on the potential impact of this missense change (SIFT: "Deleterious"; PolyPhen-2: "Probably Damaging"; Align-GVGD: "Class C0"). Algorithms developed to predict the effect of sequence changes on RNA splicing suggest that this variant may disrupt the consensus splice site. In summary, the available evidence is currently insufficient to determine the role of this variant in disease. Therefore, it has been classified as a Variant of Uncertain Significance.

Molecular Biology Laboratory, Department of Zoology, Quaid-i-azam University
Classification: Uncertain significance for GNPTG-mucolipidosis. Review status: no assertion criteria provided. Collection method: research. Allele origin: inherited. Inheritance: Autosomal recessive inheritance. Affected: yes. Not counted in ClinVar's aggregate classification.

NM_032520.5(GNPTG):c.179G>A (p.Gly60Glu)

Gene: GNPTG (N-acetylglucosamine-1-phosphate transferase subunit gamma; plus strand). Cytogenetic location: 16p13.3.
Variant type: single nucleotide variant.
Coding change: c.179G>A on transcript NM_032520.5 (MANE Select); coding-DNA position 179, G replaced by A.
Protein change: p.Gly60Glu; replaces glycine 60 with glutamic acid.
Molecular consequence: missense variant.
Genome position (GRCh38, 1-based): chr16:1,361,743, G>A. VCF-style: chr16-1361743-G-A. GRCh37 (hg19) VCF-style: chr16-1411744-G-A.
Other names: short protein forms G60E.
Identifiers: ClinVar variation 1501558 (VCV001501558.8), dbSNP rs2141861695, ClinGen allele CA394186456.
Genomic context (GRCh38, chr16:1,361,743, plus strand): 5'-CAGTCTTTGCAGACAGGTTCTGTGCTTGGACCCTGGGGATCAGTGTGAGGTCTCTTCCAG[G>A]ACCCGTGCATCTCTTCCGACTCTCGGGCAAGTGCTTCAGCCTGGTGGAGTCCACGTGAGT-3'
Protein context (NP_115909.1, residues 50-70): QAKRDPSPVS[Gly60Glu]PVHLFRLSGK